The following is an entry in ClinVar:

NM_012471.3(TRPC5):c.1648C>G (p.Pro550Ala)

Gene: TRPC5 (transient receptor potential cation channel subfamily C member 5; minus strand). Cytogenetic location: Xq23.
Variant type: single nucleotide variant.
Coding change: c.1648C>G on transcript NM_012471.3 (MANE Select); coding-DNA position 1648, C replaced by G.
Protein change: p.Pro550Ala; replaces proline 550 with alanine.
Molecular consequence: missense variant.
Genome position (GRCh38, 1-based): chrX:111,847,166, G>C on the plus strand (C>G on the coding strand, the complement: TRPC5 is on the minus strand). VCF-style: chrX-111847166-G-C. GRCh37 (hg19) VCF-style: chrX-111090394-G-C.
Other names: short protein forms P550A.
Identifiers: ClinVar variation 4999860 (VCV004999860.1).

ClinVar aggregate classification (germline): Uncertain significance (1 of 4 stars; one submission).

Conditions:
TRPC5-related disorder. Also called: TRPC5-related condition.

Submission:

PreventionGenetics, part of Exact Sciences
Classification: Uncertain significance for TRPC5-related condition. Last evaluated: 2025-05-28. Review status: criteria provided, single submitter. Criteria: ACMG Guidelines, 2015. Collection method: clinical testing. Allele origin: germline.
Comment: The TRPC5 c.1648C>G variant is predicted to result in the amino acid substitution p.Pro550Ala. To our knowledge, this variant has not been reported in the literature or in a large population database (gnomAD), indicating this variant is rare. At this time, the clinical significance of this variant is uncertain due to the absence of conclusive functional and genetic evidence.